The following is an entry in ClinVar:

NC_000012.12:g.120291751T>C

Gene: RNU4-2 (RNA, U4 small nuclear 2; minus strand). Cytogenetic location: 12q24.23.
Variant type: single nucleotide variant.
Genome position: GRCh38 VCF-style: chr12-120291751-T-C. GRCh37 (hg19) VCF-style: chr12-120729554-T-C.
Identifiers: ClinVar variation 4822641 (VCV004822641.4).
Genomic context (GRCh38, chr12:120,291,751, plus strand): 5'-ACCAAACATAAGACACAACCTGCTATAATACAACTTCCTAAAACCCTTTTCTTTAGACTT[T>C]TAAAAATTCAGTCTCCGTAGAGACTGTCAAAAATTGCCAATGCCGACTATATTTCAAGTC-3'

ClinVar aggregate classification (germline): Likely benign (1 of 4 stars; one submission).

Submission:

CeGaT Center for Human Genetics Tuebingen
Classification: Likely benign. Last evaluated: 2026-08-01. Review status: criteria provided, single submitter. Criteria: CeGaT Center For Human Genetics Tuebingen Variant Classification Criteria Version 2. Collection method: clinical testing. Allele origin: germline. Affected: yes. Observed: 4 variant alleles.
Comment: RNU4-2: BS1